The following is an entry in ClinVar:

NC_000004.11:g.(?_187201156)_(187201744_?)del

Gene: F11 (coagulation factor XI; plus strand). Cytogenetic location: 4q35.2.
Variant type: Deletion.
Identifiers: ClinVar variation 2422398 (VCV002422398.4).

ClinVar aggregate classification (germline): Pathogenic (1 of 4 stars; one submission).

Submission:

Labcorp Genetics (formerly Invitae), Labcorp
Classification: Pathogenic. Last evaluated: 2022-10-03. Review status: criteria provided, single submitter. Criteria: Invitae Variant Classification Sherloc (09022015). Collection method: clinical testing. Allele origin: germline.
Comment: For these reasons, this variant has been classified as Pathogenic. This variant has not been reported in the literature in individuals affected with F11-related conditions. This variant is a gross deletion of the genomic region encompassing exon(s) 8-10 of the F11 gene. This deletion is out-of-frame, and is expected to create a premature termination codon and result in an absent or disrupted protein product. Loss-of-function variants in F11 are known to be pathogenic (PMID: 23929304).

Literature cited by the submitters: PubMed 23929304.